The following is an entry in ClinVar:

NM_007272.3(CTRC):c.643G>A (p.Asp215Asn)

Gene: CTRC (chymotrypsin C; plus strand). Cytogenetic location: 1p36.21.
Variant type: single nucleotide variant.
Coding change: c.643G>A on transcript NM_007272.3 (MANE Select); coding-DNA position 643, G replaced by A.
Protein change: p.Asp215Asn; replaces aspartic acid 215 with asparagine.
Molecular consequence: missense variant.
Genome position (GRCh38, 1-based): chr1:15,445,600, G>A. VCF-style: chr1-15445600-G-A. GRCh37 (hg19) VCF-style: chr1-15772095-G-A.
Other names: p.Asp215Asn; short protein forms D215N.
Identifiers: ClinVar variation 958514 (VCV000958514.10), dbSNP rs1708203951, ClinGen allele CA338567676.

ClinVar aggregate classification (germline): Uncertain significance. Review status: criteria provided, multiple submitters, no conflicts (2 of 4 stars). 2 submissions from 2 submitters: Uncertain significance (2). Last evaluated 2024-03-19.

Conditions:
Hereditary pancreatitis (PCTT). Also called: PRSS1-Related Hereditary Pancreatitis; Hereditary chronic pancreatitis. Identifiers: Orphanet 676, MedGen C0238339, MONDO:0008185, OMIM 167800.

Submissions (2):

Mayo Clinic Laboratories, Mayo Clinic
Classification: Uncertain significance. Last evaluated: 2024-03-19. Review status: criteria provided, single submitter. Criteria: ACMG Guidelines, 2015. Collection method: clinical testing. Allele origin: germline. Observed: 1 variant allele.
Comment: PP3, PM2_moderate

Labcorp Genetics (formerly Invitae), Labcorp
Classification: Uncertain significance for Hereditary pancreatitis. Last evaluated: 2019-08-23. Review status: criteria provided, single submitter. Criteria: Invitae Variant Classification Sherloc (09022015). Collection method: clinical testing. Allele origin: germline.
Comment: This sequence change replaces aspartic acid with asparagine at codon 215 of the CTRC protein (p.Asp215Asn). The aspartic acid residue is highly conserved and there is a small physicochemical difference between aspartic acid and asparagine. In summary, the available evidence is currently insufficient to determine the role of this variant in disease. Therefore, it has been classified as a Variant of Uncertain Significance. Algorithms developed to predict the effect of missense changes on protein structure and function are either unavailable or do not agree on the potential impact of this missense change (SIFT: "Deleterious"; PolyPhen-2: "Probably Damaging"; Align-GVGD: "Class C15"). This variant has not been reported in the literature in individuals with CTRC-related conditions. This variant is not present in population databases (ExAC no frequency).